The following is an entry in ClinVar:

NM_000059.4(BRCA2):c.4737A>G (p.Ala1579=)

Gene: BRCA2 (BRCA2 DNA repair associated; plus strand). Cytogenetic location: 13q13.1.
Variant type: single nucleotide variant.
Coding change: c.4737A>G on transcript NM_000059.4 (MANE Select); coding-DNA position 4737, A replaced by G.
Protein change: p.Ala1579=; no amino-acid change (alanine 1579 retained).
Molecular consequence: synonymous variant.
Genome position (GRCh38, 1-based): chr13:32,339,092, A>G. VCF-style: chr13-32339092-A-G. GRCh37 (hg19) VCF-style: chr13-32913229-A-G.
Identifiers: ClinVar variation 517050 (VCV000517050.14), dbSNP rs1555283921, ClinGen allele CA483438179.
Genomic context (GRCh38, chr13:32,339,092, plus strand): 5'-TAGCCATCAATGGGCAAAGACCCTAAAGTACAGAGAGGCCTGTAAAGACCTTGAATTAGC[A>G]TGTGAGACCATTGAGATCACAGCTGCCCCAAAGTGTAAAGAAATGCAGAATTCTCTCAAT-3'
Protein context (NP_000050.3, residues 1569-1589): YREACKDLEL[Ala1579=]CETIEITAAP

ClinVar aggregate classification (germline): Likely benign. Review status: criteria provided, multiple submitters, no conflicts (2 of 4 stars). 5 submissions from 5 submitters: Likely benign (5). Last evaluated 2024-12-06.

Conditions:
Hereditary cancer-predisposing syndrome. Also called: Tumor predisposition; Hereditary neoplastic syndrome; Neoplastic Syndromes, Hereditary; Hereditary Cancer Syndrome. Identifiers: Orphanet 140162, MedGen C0027672, MeSH D009386, MONDO:0015356.
Hereditary breast ovarian cancer syndrome. Also called: Hereditary breast and ovarian cancer syndrome (HBOC); Hereditary breast and ovarian cancer; Hereditary breast and ovarian cancer syndrome; Breast and ovarian cancer; BRCA1- and BRCA2-Associated Hereditary Breast and Ovarian Cancer; Hereditary breast and/or ovarian cancer syndrome. Identifiers: Orphanet 145, MedGen C0677776, MeSH D061325, MONDO:0003582. Disease mechanism: loss of function.

Submissions (5):

Women's Health and Genetics/Laboratory Corporation of America, LabCorp
Classification: Likely benign. Last evaluated: 2024-12-06. Review status: criteria provided, single submitter. Criteria: LabCorp Variant Classification Summary - May 2015. Collection method: clinical testing. Allele origin: germline.

Labcorp Genetics (formerly Invitae), Labcorp
Classification: Likely benign for Hereditary breast ovarian cancer syndrome. Last evaluated: 2024-04-29. Review status: criteria provided, single submitter. Criteria: Invitae Variant Classification Sherloc (09022015). Collection method: clinical testing. Allele origin: germline.

Color Diagnostics, LLC DBA Color Health
Classification: Likely benign for Hereditary cancer-predisposing syndrome. Last evaluated: 2022-03-17. Review status: criteria provided, single submitter. Criteria: ACMG Guidelines, 2015. Collection method: clinical testing. Allele origin: germline.

Ambry Genetics
Classification: Likely benign for Hereditary cancer-predisposing syndrome. Last evaluated: 2021-02-09. Review status: criteria provided, single submitter. Criteria: Ambry Variant Classification Scheme 2023. Collection method: clinical testing. Allele origin: germline.

GeneDx
Classification: Likely benign. Last evaluated: 2017-11-09. Review status: criteria provided, single submitter. Criteria: GeneDx Variant Classification (06012015). Collection method: clinical testing. Allele origin: germline. Affected: yes.
Comment: This variant is considered likely benign or benign based on one or more of the following criteria: it is a conservative change, it occurs at a poorly conserved position in the protein, it is predicted to be benign by multiple in silico algorithms, and/or has population frequency not consistent with disease.

Literature cited by the submitters: PubMed 14973102 (cited by Women's Health and Genetics/Laboratory Corporation of America, LabCorp).